The following is an entry in ClinVar:

NM_014633.5(CTR9):c.3380G>A (p.Ser1127Asn)

Gene: CTR9 (CTR9 component of Paf1/RNA polymerase II complex; plus strand). Cytogenetic location: 11p15.4.
Variant type: single nucleotide variant.
Coding change: c.3380G>A on transcript NM_014633.5 (MANE Select); coding-DNA position 3380, G replaced by A.
Protein change: p.Ser1127Asn; replaces serine 1127 with asparagine.
Molecular consequence: missense variant.
Genome position (GRCh38, 1-based): chr11:10,778,963, G>A. VCF-style: chr11-10778963-G-A. GRCh37 (hg19) VCF-style: chr11-10800510-G-A.
Other names: c.3308G>A, p.Ser1103Asn (NM_001346279.2); short protein forms S1103N, S1127N.
Identifiers: ClinVar variation 2889282 (VCV002889282.3), dbSNP rs1830398594, ClinGen allele CA379679650.

ClinVar aggregate classification (germline): Uncertain significance (1 of 4 stars; one submission).

Submission:

Labcorp Genetics (formerly Invitae), Labcorp
Classification: Uncertain significance. Last evaluated: 2024-04-23. Review status: criteria provided, single submitter. Criteria: Invitae Variant Classification Sherloc (09022015). Collection method: clinical testing. Allele origin: germline.
Comment: This sequence change replaces serine, which is neutral and polar, with asparagine, which is neutral and polar, at codon 1127 of the CTR9 protein (p.Ser1127Asn). This variant is not present in population databases (gnomAD no frequency). This variant has not been reported in the literature in individuals affected with CTR9-related conditions. An algorithm developed to predict the effect of missense changes on protein structure and function (PolyPhen-2) suggests that this variant is likely to be tolerated. In summary, the available evidence is currently insufficient to determine the role of this variant in disease. Therefore, it has been classified as a Variant of Uncertain Significance.